The following is an entry in ClinVar:

ClinVar aggregate classification (germline): Uncertain significance (1 of 4 stars; one submission).

Submission:

Women's Health and Genetics/Laboratory Corporation of America, LabCorp
Classification: Uncertain significance. Last evaluated: 2025-11-07. Review status: criteria provided, single submitter. Criteria: LabCorp Variant Classification Summary - May 2015. Collection method: clinical testing. Allele origin: germline.
Comment: Variant summary: ABCA3 c.2629G>T (p.Ala877Ser) results in a conservative amino acid change in the encoded protein sequence. Algorithms developed to predict the effect of missense changes on protein structure and function all suggest that this variant is likely to be tolerated. The variant was absent in 210414 control chromosomes. The available data on variant occurrences in the general population are insufficient to allow any conclusion about variant significance. To our knowledge, no occurrence of c.2629G>T in individuals affected with ABCA3-related conditions and no experimental evidence demonstrating its impact on protein function have been reported. No submitters have cited clinical-significance assessments for this variant to ClinVar. Based on the evidence outlined above, the variant was classified as uncertain significance.

NM_001089.3(ABCA3):c.2629G>T (p.Ala877Ser)

Gene: ABCA3 (ATP binding cassette subfamily A member 3; minus strand). Cytogenetic location: 16p13.3.
Variant type: single nucleotide variant.
Coding change: c.2629G>T on transcript NM_001089.3 (MANE Select); coding-DNA position 2629, G replaced by T.
Protein change: p.Ala877Ser; replaces alanine 877 with serine.
Molecular consequence: missense variant.
Genome position (GRCh38, 1-based): chr16:2,289,505, C>A on the plus strand (G>T on the coding strand, the complement: ABCA3 is on the minus strand). VCF-style: chr16-2289505-C-A. GRCh37 (hg19) VCF-style: chr16-2339506-C-A.
Other names: short protein forms A877S.
Identifiers: ClinVar variation 4536956 (VCV004536956.1).